The following is an entry in ClinVar:

ClinVar aggregate classification (germline): Conflicting classifications of pathogenicity. Review status: criteria provided, conflicting classifications (1 of 4 stars). 2 submissions from 2 submitters: Uncertain significance (1); Likely benign (1). Last evaluated 2025-11-03.

Conditions:
Intellectual developmental disorder, autosomal dominant 6, with or without seizures. Also called: GRIN2B-related developmental delay, intellectual disability and autism spectrum disorder; Intellectual disability, autosomal dominant 6. Identifiers: Orphanet 589547, MedGen C3151411, MONDO:0013509, OMIM 613970.
Developmental and epileptic encephalopathy, 27 (DEE27). Also called: GRIN2B-Related Neurodevelopmental Disorder; Epileptic encephalopathy, early infantile, 27. Identifiers: Orphanet 3451, MedGen C4015316, MONDO:0014505, OMIM 616139.

Allele frequency attached by ClinVar (database versions not stated): TOPMed below 0.00001.

Submissions (2):

Labcorp Genetics (formerly Invitae), Labcorp
Classification: Likely benign for Developmental and epileptic encephalopathy, 27; Intellectual developmental disorder, autosomal dominant 6, with or without seizures. Last evaluated: 2025-11-03. Review status: criteria provided, single submitter. Criteria: Invitae Variant Classification Sherloc (09022015). Collection method: clinical testing. Allele origin: germline.

GeneDx
Classification: Uncertain significance. Last evaluated: 2024-11-21. Review status: criteria provided, single submitter. Criteria: GeneDx Variant Classification Process June 2021. Collection method: clinical testing. Allele origin: germline. Affected: yes.
Comment: Not observed at significant frequency in large population cohorts (gnomAD); In silico analysis supports that this missense variant has a deleterious effect on protein structure/function; Has not been previously published as pathogenic or benign to our knowledge; This variant is associated with the following publications: (PMID: 27839871)

NM_000834.5(GRIN2B):c.2036C>A (p.Pro679His)

Gene: GRIN2B (glutamate ionotropic receptor NMDA type subunit 2B; minus strand). Cytogenetic location: 12p13.1.
Variant type: single nucleotide variant.
Coding change: c.2036C>A on transcript NM_000834.5 (MANE Select); coding-DNA position 2036, C replaced by A.
Protein change: p.Pro679His; replaces proline 679 with histidine.
Molecular consequence: missense variant.
Genome position (GRCh38, 1-based): chr12:13,571,939, G>T on the plus strand (C>A on the coding strand, the complement: GRIN2B is on the minus strand). VCF-style: chr12-13571939-G-T. GRCh37 (hg19) VCF-style: chr12-13724873-G-T.
Other names: c.2036C>A (NM_000834.3); c.2036C>A, p.Pro679His (NM_001413992.1); short protein forms P679H.
Identifiers: ClinVar variation 2416940 (VCV002416940.9), dbSNP rs1948713898, ClinGen allele CA384000047.